The following is an entry in ClinVar:

ClinVar aggregate classification (germline): Uncertain significance (1 of 4 stars; one submission).

Conditions:
PCNT-related disorder. Also called: PCNT-related condition.

Submission:

PreventionGenetics, part of Exact Sciences
Classification: Uncertain significance for PCNT-related condition. Last evaluated: 2025-09-03. Review status: criteria provided, single submitter. Criteria: ACMG Guidelines, 2015. Collection method: clinical testing. Allele origin: germline.
Comment: The PCNT c.239A>G variant is predicted to result in the amino acid substitution p.Asp80Gly. To our knowledge, this variant has not been reported in the literature. This variant is reported in 0.0015% of alleles in individuals of European (Non-Finnish) descent in gnomAD. At this time, the clinical significance of this variant is uncertain due to the absence of conclusive functional and genetic evidence.

NM_006031.6(PCNT):c.239A>G (p.Asp80Gly)

Gene: PCNT (pericentrin; plus strand). Cytogenetic location: 21q22.3.
Variant type: single nucleotide variant.
Coding change: c.239A>G on transcript NM_006031.6 (MANE Select); coding-DNA position 239, A replaced by G.
Protein change: p.Asp80Gly; replaces aspartic acid 80 with glycine.
Molecular consequence: missense variant. On other transcripts: 5 prime UTR variant (1).
Genome position (GRCh38, 1-based): chr21:46,326,561, A>G. VCF-style: chr21-46326561-A-G. GRCh37 (hg19) VCF-style: chr21-47746475-A-G.
Other names: c.-116A>G (NM_001315529.2); short protein forms D80G.
Identifiers: ClinVar variation 4996616 (VCV004996616.1).